The following is an entry in ClinVar:

ClinVar aggregate classification (germline): Uncertain significance (1 of 4 stars; one submission).

Conditions:
Cardiovascular phenotype. Identifiers: MedGen CN230736.

Allele frequency attached by ClinVar (database versions not stated): gnomAD exomes 0.00001; ExAC 0.00005.

Submission:

Ambry Genetics
Classification: Uncertain significance for Cardiovascular phenotype. Last evaluated: 2023-03-20. Review status: criteria provided, single submitter. Criteria: Ambry Variant Classification Scheme 2023. Collection method: clinical testing. Allele origin: germline.
Comment: The p.P77L variant (also known as c.230C>T), located in coding exon 1 of the ALPK3 gene, results from a C to T substitution at nucleotide position 230. The proline at codon 77 is replaced by leucine, an amino acid with similar properties. This amino acid position is conserved. In addition, this alteration is predicted to be tolerated by in silico analysis. Since supporting evidence is limited at this time, the clinical significance of this alteration remains unclear.

NM_020778.4(ALPK3):c.230C>T (p.Pro77Leu)

Gene: ALPK3 (alpha kinase 3; plus strand). Cytogenetic location: 15q25.3.
Variant type: single nucleotide variant.
Coding change: c.230C>T on transcript NM_020778.4; coding-DNA position 230, C replaced by T.
Protein change: p.Pro77Leu; replaces proline 77 with leucine.
Genome position (GRCh38, 1-based): chr15:84,817,076, C>T. VCF-style: chr15-84817076-C-T. GRCh37 (hg19) VCF-style: chr15-85360307-C-T.
Other names: short protein forms P77L.
Identifiers: ClinVar variation 2563932 (VCV002563932.2), dbSNP rs763763411, ClinGen allele CA7708821.